The following is an entry in ClinVar:

ClinVar aggregate classification (germline): Pathogenic. Review status: criteria provided, multiple submitters, no conflicts (2 of 4 stars). 2 submissions from 2 submitters: Pathogenic (2). Last evaluated 2024-04-18.

Conditions:
Ataxia-telangiectasia syndrome (AT). Also called: Ataxia-telangiectasia, complementation group D; LOUIS-BAR SYNDROME; ATAXIA-TELANGIECTASIA, COMPLEMENTATION GROUP A; ATAXIA-TELANGIECTASIA, FRESNO VARIANT; Ataxia telangiectasia (A-T); Cerebello-oculocutaneous telangiectasia. Identifiers: Orphanet 100, MedGen C0004135, MONDO:0008840, OMIM 208900.
Hereditary cancer-predisposing syndrome. Also called: Hereditary neoplastic syndrome; Hereditary Cancer Syndrome; Neoplastic Syndromes, Hereditary; Tumor predisposition. Identifiers: Orphanet 140162, MedGen C0027672, MeSH D009386, MONDO:0015356.

Submissions (2):

Ambry Genetics
Classification: Pathogenic for Hereditary cancer-predisposing syndrome. Last evaluated: 2024-04-18. Review status: criteria provided, single submitter. Criteria: Ambry Variant Classification Scheme 2023. Collection method: clinical testing. Allele origin: germline.
Comment: The c.1547_1551delTAGTT pathogenic mutation, located in coding exon 9 of the ATM gene, results from a deletion of 5 nucleotides at nucleotide positions 1547 to 1551, causing a translational frameshift with a predicted alternate stop codon (p.L516*). This alteration is expected to result in loss of function by premature protein truncation or nonsense-mediated mRNA decay. As such, this alteration is interpreted as a disease-causing mutation.

Labcorp Genetics (formerly Invitae), Labcorp
Classification: Pathogenic for Ataxia-telangiectasia syndrome. Last evaluated: 2023-09-29. Review status: criteria provided, single submitter. Criteria: Invitae Variant Classification Sherloc (09022015). Collection method: clinical testing. Allele origin: germline.
Comment: This sequence change creates a premature translational stop signal (p.Leu516*) in the ATM gene. It is expected to result in an absent or disrupted protein product. Loss-of-function variants in ATM are known to be pathogenic (PMID: 23807571, 25614872). This variant is not present in population databases (gnomAD no frequency). This variant has not been reported in the literature in individuals affected with ATM-related conditions. For these reasons, this variant has been classified as Pathogenic.

Literature cited by the submitters: PubMed 23807571 (cited by Labcorp Genetics (formerly Invitae), Labcorp); PubMed 25614872 (cited by Labcorp Genetics (formerly Invitae), Labcorp).

NM_000051.4(ATM):c.1547_1551del (p.Ser515_Leu516insTer)

Gene: ATM (ATM serine/threonine kinase; plus strand). Cytogenetic location: 11q22.3.
Variant type: Microsatellite.
Coding change: c.1547_1551del on transcript NM_000051.4 (MANE Select); coding-DNA positions 1547 to 1551, 5 bases deleted (TAGTT; older notation c.1547_1551delTAGTT).
Protein change: p.Ser515_Leu516insTer.
Molecular consequence: nonsense. On other transcripts: frameshift variant (1).
Genome position (GRCh38, 1-based): chr11:108,251,012-108,251,016, TAGTT deleted; deleting any 5 consecutive bases within chr11:108,251,007-108,251,016 gives the same sequence; the c. name uses the placement nearest the transcript's 3' end. VCF-style (leftmost placement, unchanged base first): chr11-108251006-GTAGTT-G. GRCh37 (hg19) VCF-style: chr11-108121733-GTAGTT-G.
Other names: c.1547_1551delTAGTT (NM_000051.3); c.1542_1546TAGTT[1], p.Leu516Terfs (NM_000051.3); c.1547_1551del, p.Ser515_Leu516insTer (NM_001351834.2).
Identifiers: ClinVar variation 2764134 (VCV002764134.4), dbSNP rs2497251101, ClinGen allele CA2697549000.
Genomic context (GRCh38, chr11:108,251,006, plus strand): 5'-GTATAAGTTCTGAGCAAATACAAGCTGAAAACTTTGGCTTACTTGGAGCCATAATTCAGG[GTAGTT>G]TAGTTGAGGTTGACAGAGAATTCTGGAAGTTATTTACTGGGTCAGCCTGCAGACCTTCAT-3'